The following is an entry in ClinVar:

NM_000359.3(TGM1):c.431G>A (p.Gly144Glu)

Gene: TGM1 (transglutaminase 1; minus strand). Cytogenetic location: 14q12.
Variant type: single nucleotide variant.
Coding change: c.431G>A on transcript NM_000359.3 (MANE Select); coding-DNA position 431, G replaced by A.
Protein change: p.Gly144Glu; replaces glycine 144 with glutamic acid.
Molecular consequence: missense variant.
Genome position (GRCh38, 1-based): chr14:24,261,772, C>T on the plus strand (G>A on the coding strand, the complement: TGM1 is on the minus strand). VCF-style: chr14-24261772-C-T. GRCh37 (hg19) VCF-style: chr14-24730978-C-T.
Other names: short protein forms G144E.
Identifiers: ClinVar variation 555239 (VCV000555239.6), dbSNP rs1465243895, ClinGen allele CA389277846.

ClinVar aggregate classification (germline): Likely pathogenic. Review status: criteria provided, multiple submitters, no conflicts (2 of 4 stars). 4 submissions from 4 submitters: Likely pathogenic (3). 1 of the submissions does not count toward it. Last evaluated 2024-06-20.

Conditions:
Autosomal recessive congenital ichthyosis 1 (LI1). Also called: ICHTHYOSIS, CONGENITAL, AUTOSOMAL RECESSIVE 1, WITH BATHING SUIT DISTRIBUTION; ICHTHYOSIS, CONGENITAL, AUTOSOMAL RECESSIVE 1, WITH OR WITHOUT BATHING SUIT DISTRIBUTION; COLLODION FETUS; DESQUAMATION OF NEWBORN; ICHTHYOSIS CONGENITA; ICHTHYOSIS CONGENITA II. Identifiers: MedGen C4551630, MONDO:0009441, OMIM 242300.
Lamellar ichthyosis. Identifiers: Orphanet 313, MedGen C5848247, MONDO:0017778.

Allele frequency attached by ClinVar (database versions not stated): gnomAD exomes below 0.00001 and 0.00001.
gnomAD v4.1: 4 of 1,614,066 alleles (0.00025%); highest among the groups gnomAD compares: Non-Finnish European, 0.00034%; no homozygotes.

Submissions (4):

Fulgent Genetics
Classification: Likely pathogenic for Autosomal recessive congenital ichthyosis 1. Last evaluated: 2024-06-20. Review status: criteria provided, single submitter. Criteria: ACMG Guidelines, 2015. Collection method: clinical testing. Allele origin: germline.

Women's Health and Genetics/Laboratory Corporation of America, LabCorp
Classification: Likely pathogenic for Lamellar ichthyosis. Last evaluated: 2024-06-20. Review status: criteria provided, single submitter. Criteria: LabCorp Variant Classification Summary - May 2015. Collection method: clinical testing. Allele origin: germline.
Comment: Variant summary: TGM1 c.431G>A (p.Gly144Glu) results in a non-conservative amino acid change located in the immunoglobulin-like fold domain (IPR013783) of the encoded protein sequence. Five of five in-silico tools predict a damaging effect of the variant on protein function. The variant allele was found at a frequency of 8e-06 in 251454 control chromosomes. c.431G>A has been reported in the literature in the homozygous and compound heterozygous state in individuals affected with Lamellar Ichthyosis (e.g. Petit_1997, Esposito_2013). These data indicate that the variant may be associated with disease. At least one publication reports experimental evidence evaluating an impact on protein function in vitro. The most pronounced variant effect results in <10% of normal activity (e.g. Petit_1997). The following publications have been ascertained in the context of this evaluation (PMID: 23278109, 9359043). ClinVar contains an entry for this variant (Variation ID: 555239). Based on the evidence outlined above, the variant was classified as likely pathogenic.

Clinical Genetics Service, Universitary Hospital 12 de Octubre
Classification: Likely pathogenic for Autosomal recessive congenital ichthyosis 1. Review status: criteria provided, single submitter. Criteria: ACMG Guidelines, 2015. Collection method: clinical testing. Allele origin: germline. Affected: yes.

Counsyl
Classification: Uncertain significance for Autosomal recessive congenital ichthyosis 1. Last evaluated: 2017-11-29. Review status: no assertion criteria provided. Collection method: clinical testing. Allele origin: unknown. Not counted in ClinVar's aggregate classification.

Literature cited by the submitters: PubMed 9359043 (cited by Women's Health and Genetics/Laboratory Corporation of America, LabCorp and Counsyl); PubMed 23278109 (cited by Women's Health and Genetics/Laboratory Corporation of America, LabCorp and Counsyl).